The following is an entry in ClinVar:

NM_198578.4(LRRK2):c.305C>G (p.Pro102Arg)

Gene: LRRK2 (leucine rich repeat kinase 2; plus strand). Cytogenetic location: 12q12.
Variant type: single nucleotide variant.
Coding change: c.305C>G on transcript NM_198578.4 (MANE Select); coding-DNA position 305, C replaced by G.
Protein change: p.Pro102Arg; replaces proline 102 with arginine.
Molecular consequence: missense variant.
Genome position (GRCh38, 1-based): chr12:40,232,341, C>G. VCF-style: chr12-40232341-C-G. GRCh37 (hg19) VCF-style: chr12-40626143-C-G.
Other names: short protein forms P102R.
Identifiers: ClinVar variation 1799338 (VCV001799338.2), dbSNP rs1188539174, ClinGen allele CA384401590.

ClinVar aggregate classification (germline): Uncertain significance (1 of 4 stars; one submission).

Conditions:
Inborn genetic diseases. Identifiers: MedGen C0950123, MeSH D030342.

gnomAD v4.1: 4 of 1,613,910 alleles (0.00025%); highest among the groups gnomAD compares: Non-Finnish European, 0.00034%; no homozygotes.

Submission:

Ambry Genetics
Classification: Uncertain significance for Inborn genetic diseases. Last evaluated: 2024-01-01. Review status: criteria provided, single submitter. Criteria: Ambry Variant Classification Scheme 2023. Collection method: clinical testing. Allele origin: germline.
Comment: The p.P102R variant (also known as c.305C>G), located in coding exon 3 of the LRRK2 gene, results from a C to G substitution at nucleotide position 305. The proline at codon 102 is replaced by arginine, an amino acid with dissimilar properties. This amino acid position is conserved. In addition, the in silico prediction for this alteration is inconclusive. Since supporting evidence is limited at this time, the clinical significance of this alteration remains unclear.